The following is an entry in ClinVar:

ClinVar aggregate classification (germline): Likely benign (1 of 4 stars; one submission).

Allele frequency attached by ClinVar (database versions not stated): ESP Exome Variant Server 0.00008; TOPMed 0.00003.

Submission:

GeneDx
Classification: Likely benign. Last evaluated: 2016-10-25. Review status: criteria provided, single submitter. Criteria: GeneDx Variant Classification (06012015). Collection method: clinical testing. Allele origin: germline. Affected: yes.
Comment: This variant is considered likely benign or benign based on one or more of the following criteria: it is a conservative change, it occurs at a poorly conserved position in the protein, it is predicted to be benign by multiple in silico algorithms, and/or has population frequency not consistent with disease.

NM_005051.2(QARS1):c.-32C>A

Gene: QARS1 (glutaminyl-tRNA synthetase 1; minus strand). Cytogenetic location: 3p21.31.
Variant type: single nucleotide variant.
Coding change: c.-32C>A on transcript NM_005051.2; 32 bases upstream of the start codon, C replaced by A.
Genome position (GRCh38, 1-based): chr3:49,104,765, G>T on the plus strand (C>A on the coding strand, the complement: QARS1 is on the minus strand). VCF-style: chr3-49104765-G-T. GRCh37 (hg19) VCF-style: chr3-49142198-G-T.
Identifiers: ClinVar variation 390348 (VCV000390348.3), dbSNP rs376348627, ClinGen allele CA2392366.
Genomic context (GRCh38, chr3:49,104,765, plus strand): 5'-AAGAGCGACAGGGAGTCTAGAGCCGCCATTGCAGAGACACCGGAAACTAAAAGAAACTTA[G>T]GCCCCAGTCTGCAGGTCGGCATTCACTCGCTGACCAATGAGAGTGAAGCCTCCGGGGAGA-3'